The following is an entry in ClinVar:

ClinVar aggregate classification (germline): Uncertain significance (1 of 4 stars; one submission).

Submission:

GeneDx
Classification: Uncertain significance. Last evaluated: 2020-09-14. Review status: criteria provided, single submitter. Criteria: GeneDx Variant Classification Process June 2021. Collection method: clinical testing. Allele origin: germline. Affected: yes.
Comment: Not observed in large population cohorts (Lek et al., 2016); In silico analysis supports that this missense variant has a deleterious effect on protein structure/function; In silico analysis supports that this missense variant has a deleterious effect on protein structure/function; Has not been previously published as pathogenic or benign to our knowledge

NM_012470.4(TNPO3):c.1421A>G (p.His474Arg)

Gene: TNPO3 (transportin 3; minus strand). Cytogenetic location: 7q32.1.
Variant type: single nucleotide variant.
Coding change: c.1421A>G on transcript NM_012470.4 (MANE Select); coding-DNA position 1421, A replaced by G.
Protein change: p.His474Arg; replaces histidine 474 with arginine.
Molecular consequence: missense variant. On other transcripts: non-coding transcript variant (18).
Genome position (GRCh38, 1-based): chr7:128,990,038, T>C on the plus strand (A>G on the coding strand, the complement: TNPO3 is on the minus strand). VCF-style: chr7-128990038-T-C. GRCh37 (hg19) VCF-style: chr7-128630092-T-C.
Other names: c.1421A>G, p.His474Arg (NM_001191028.3, NM_001382218.1, NM_001382220.1 and 1 more transcripts); c.1523A>G, p.His508Arg (NM_001382216.1); c.1502A>G, p.His501Arg (NM_001382217.1); c.1313A>G, p.His438Arg (NM_001382219.1); c.1277A>G, p.His426Arg (NM_001382221.1); c.1274A>G, p.His425Arg (NM_001382222.1); short protein forms H474R, H425R, H426R, H438R, H501R, H508R.
Identifiers: ClinVar variation 450207 (VCV000450207.4), dbSNP rs1554438219, ClinGen allele CA369228400.
Genomic context (GRCh38, chr7:128,990,038, plus strand): 5'-CGATCAACGACTTCACTCATCTCTCCAACCAATTCAATGCTGGTGTATCGCACAGCCGTA[T>C]GTACGGTCTCCGGGAGGCGGACAACTCCTTCTAGGACTTCCACAAGTGTTGGATTGTTTT-3'
Protein context (NP_036602.1, residues 464-484): EGVVRLPETV[His474Arg]TAVRYTSIEL